The following is an entry in ClinVar:

ClinVar aggregate classification (germline): Pathogenic (1 of 4 stars; one submission).

Conditions:
Primary ciliary dyskinesia 32. Also called: CILIARY DYSKINESIA, PRIMARY, 32, WITHOUT SITUS INVERSUS. Identifiers: Orphanet 244, MedGen C4225311, MONDO:0014657, OMIM 616481.

Allele frequency attached by ClinVar (database versions not stated): TOPMed below 0.00001; gnomAD exomes 0.00001.

Submission:

Labcorp Genetics (formerly Invitae), Labcorp
Classification: Pathogenic for Primary ciliary dyskinesia 32. Last evaluated: 2022-08-22. Review status: criteria provided, single submitter. Criteria: Invitae Variant Classification Sherloc (09022015). Collection method: clinical testing. Allele origin: germline.
Comment: This variant has not been reported in the literature in individuals affected with RSPH3-related conditions. This variant is present in population databases (no rsID available, gnomAD 0.003%). This sequence change creates a premature translational stop signal (p.Asp47Thrfs*36) in the RSPH3 gene. It is expected to result in an absent or disrupted protein product. Loss-of-function variants in RSPH3 are known to be pathogenic (PMID: 26073779). For these reasons, this variant has been classified as Pathogenic.

Literature cited by the submitters: PubMed 26073779.

NM_031924.8(RSPH3):c.-292del

Gene: RSPH3 (radial spoke head 3; minus strand). Cytogenetic location: 6q25.3.
Variant type: Deletion.
Coding change: c.-292del on transcript NM_031924.8 (MANE Select); 292 bases upstream of the start codon, one base deleted (T; older notation c.-292delT).
Molecular consequence: 5 prime UTR variant. On other transcripts: frameshift variant (1), non-coding transcript variant (1).
Genome position (GRCh38, 1-based): chr6:158,999,842, A deleted on the plus strand (T on the coding strand, the reverse complement: RSPH3 is on the minus strand). VCF-style (leftmost placement, unchanged base first): chr6-158999841-CA-C. GRCh37 (hg19) VCF-style: chr6-159420873-CA-C.
Other names: c.135del, p.Asp47fs (NM_001346418.1); short protein forms D47fs.
Identifiers: ClinVar variation 1937576 (VCV001937576.5), dbSNP rs1350940598, ClinGen allele CA571904851.
Genomic context (GRCh38, chr6:158,999,841, plus strand): 5'-CGGTTGCCCAGCAACCCAGGGTTCTGTCTGGGGGCGGGAACTCCGGGCAGTTCCGGTCCC[CA>C]GGTTTCCCGGGAAGGACTGCGGCACAAGGGACTTCCGGCTCTTGACTCCGCCCAGCCGCG-3'